The following is an entry in ClinVar:

NM_002911.4(UPF1):c.1635C>T (p.Cys545=)

Gene: UPF1 (UPF1 RNA helicase and ATPase; plus strand). Cytogenetic location: 19p13.11.
Variant type: single nucleotide variant.
Coding change: c.1635C>T on transcript NM_002911.4 (MANE Select); coding-DNA position 1635, C replaced by T.
Protein change: p.Cys545=; no amino-acid change (cysteine 545 retained).
Molecular consequence: synonymous variant.
Genome position (GRCh38, 1-based): chr19:18,856,015, C>T. VCF-style: chr19-18856015-C-T. GRCh37 (hg19) VCF-style: chr19-18966824-C-T.
Other names: c.1668C>T, p.Cys556= (NM_001297549.2).
Identifiers: ClinVar variation 790755 (VCV000790755.29), dbSNP rs150324027, ClinGen allele CA9317366.

ClinVar aggregate classification (germline): Benign/Likely benign. Review status: criteria provided, multiple submitters, no conflicts (2 of 4 stars). 3 submissions from 3 submitters: Benign (2); Likely benign (1). Last evaluated 2023-03-01.

Allele frequency attached by ClinVar (database versions not stated): 1000 Genomes Project 0.00200; 1000 Genomes Project 30x 0.00219; gnomAD 0.00537 and 0.00550; TOPMed 0.00546; gnomAD exomes 0.00560 and 0.00831; ExAC 0.00582; ESP Exome Variant Server 0.00661.
gnomAD v4.1: 12,884 of 1,614,010 alleles (0.8%); highest among the groups gnomAD compares: Non-Finnish European, 0.99%; 65 homozygotes.

Submissions (3):

CeGaT Center for Human Genetics Tuebingen
Classification: Likely benign. Last evaluated: 2023-03-01. Review status: criteria provided, single submitter. Criteria: CeGaT Center For Human Genetics Tuebingen Variant Classification Criteria Version 2. Collection method: clinical testing. Allele origin: germline. Affected: yes. Observed: 2 variant alleles.
Comment: UPF1: BP4, BP7, BS2

Labcorp Genetics (formerly Invitae), Labcorp
Classification: Benign. Last evaluated: 2019-12-31. Review status: criteria provided, single submitter. Criteria: Invitae Variant Classification Sherloc (09022015). Collection method: clinical testing. Allele origin: germline.

Breakthrough Genomics
Classification: Benign. Review status: criteria provided, single submitter. Criteria: ACMG Guidelines, 2015. Collection method: not provided. Allele origin: germline. Inheritance: Unknown mechanism. Affected: yes.